The following is an entry in ClinVar:

NM_002123.5(HLA-DQB1):c.418G>A (p.Ala140Thr)

Gene: HLA-DQB1 (major histocompatibility complex, class II, DQ beta 1; minus strand). Cytogenetic location: 6p21.32.
Variant type: single nucleotide variant.
Coding change: c.418G>A on transcript NM_002123.5 (MANE Select); coding-DNA position 418, G replaced by A.
Protein change: p.Ala140Thr; replaces alanine 140 with threonine.
Molecular consequence: missense variant.
Genome position (GRCh38, 1-based): chr6:32,662,210, C>T on the plus strand (G>A on the coding strand, the complement: HLA-DQB1 is on the minus strand). VCF-style: chr6-32662210-C-T. GRCh37 (hg19) VCF-style: chr6-32629987-C-T.
Other names: c.418G>A, p.Ala140Thr (NM_001243961.2); short protein forms A140T.
Identifiers: ClinVar variation 4084942 (VCV004084942.8).

ClinVar aggregate classification (germline): Likely benign (1 of 4 stars; one submission).

Submission:

CeGaT Center for Human Genetics Tuebingen
Classification: Likely benign. Last evaluated: 2025-08-01. Review status: criteria provided, single submitter. Criteria: CeGaT Center For Human Genetics Tuebingen Variant Classification Criteria Version 2. Collection method: clinical testing. Allele origin: germline. Affected: yes. Observed: 1 variant allele.
Comment: HLA-DQB1: BP4